The following is an entry in ClinVar:

ClinVar aggregate classification (germline): Likely benign. Review status: criteria provided, multiple submitters, no conflicts (2 of 4 stars). 3 submissions from 3 submitters: Likely benign (3). Last evaluated 2025-11-06.

Conditions:
Leukocyte adhesion deficiency 3. Also called: Leukocyte adhesion deficiency, type III; INTEGRIN ACTIVATION DEFICIENCY DISEASE; LEUKOCYTE ADHESION DEFICIENCY 1 VARIANT. Identifiers: Orphanet 2968, Orphanet 99844, MedGen C2748536, MONDO:0013016, OMIM 612840.

Allele frequency attached by ClinVar (database versions not stated): gnomAD 0.00006; gnomAD exomes 0.00006; ExAC 0.00008; 1000 Genomes Project 0.00020; TOPMed 0.00028; 1000 Genomes Project 30x 0.00031.
gnomAD v4.1: 69 of 1,609,542 alleles (0.0043%); highest among the groups gnomAD compares: Admixed American, 0.03%; no homozygotes.

Submissions (3):

Labcorp Genetics (formerly Invitae), Labcorp
Classification: Likely benign for Leukocyte adhesion deficiency 3. Last evaluated: 2025-11-06. Review status: criteria provided, single submitter. Criteria: Invitae Variant Classification Sherloc (09022015). Collection method: clinical testing. Allele origin: germline.

Mayo Clinic Laboratories, Mayo Clinic
Classification: Likely benign. Last evaluated: 2025-08-27. Review status: criteria provided, single submitter. Criteria: ACMG Guidelines, 2015. Collection method: clinical testing. Allele origin: germline. Observed: 1 variant allele.
Comment: BP4, BP7

Blueprint Genetics
Classification: Likely benign. Last evaluated: 2024-08-06. Review status: criteria provided, single submitter. Criteria: ACMG Guidelines, 2015. Collection method: clinical testing. Allele origin: germline.

NM_031471.6(FERMT3):c.1464C>T (p.His488=)

Gene: FERMT3 (FERM domain containing kindlin 3; plus strand). Cytogenetic location: 11q13.1.
Variant type: single nucleotide variant.
Coding change: c.1464C>T on transcript NM_031471.6 (MANE Select); coding-DNA position 1464, C replaced by T.
Protein change: p.His488=; no amino-acid change (histidine 488 retained).
Molecular consequence: synonymous variant.
Genome position (GRCh38, 1-based): chr11:64,220,588, C>T. VCF-style: chr11-64220588-C-T. GRCh37 (hg19) VCF-style: chr11-63988060-C-T.
Other names: p.His488=; c.1464C>T, p.His488= (NM_001382361.1, NM_001382448.1); c.1476C>T, p.His492= (NM_001382362.1, NM_178443.3); c.924C>T, p.His308= (NM_001382363.1); c.936C>T, p.His312= (NM_001382364.1).
Identifiers: ClinVar variation 726538 (VCV000726538.10), dbSNP rs200660798, ClinGen allele CA6069171.